The following is an entry in ClinVar:

NM_024675.4(PALB2):c.2530C>T (p.Leu844Phe)

Gene: PALB2 (partner and localizer of BRCA2; minus strand). Cytogenetic location: 16p12.2.
Variant type: single nucleotide variant.
Coding change: c.2530C>T on transcript NM_024675.4 (MANE Select); coding-DNA position 2530, C replaced by T.
Protein change: p.Leu844Phe; replaces leucine 844 with phenylalanine.
Molecular consequence: missense variant.
Genome position (GRCh38, 1-based): chr16:23,629,260, G>A on the plus strand (C>T on the coding strand, the complement: PALB2 is on the minus strand). VCF-style: chr16-23629260-G-A. GRCh37 (hg19) VCF-style: chr16-23640581-G-A.
Other names: short protein forms L844F.
Identifiers: ClinVar variation 1513953 (VCV001513953.9), dbSNP rs2142368906, ClinGen allele CA395123834.
Genomic context (GRCh38, chr16:23,629,260, plus strand): 5'-TGACCTTTAACTCTGAAACCAATTGTAGGTTGCCTGGGTTTATGCTATCAGAAGCAGGAA[G>A]CTCTGCTGTTTCAGTCTGTGAAAACAAAAGTCACATCATTAGTCTACACTTTATGTATAA-3'
Protein context (NP_078951.2, residues 834-854): HSVEQTETAE[Leu844Phe]PASDSINPGN

ClinVar aggregate classification (germline): Uncertain significance (1 of 4 stars; one submission).

Conditions:
Familial cancer of breast. Also called: Hereditary breast cancer; hereditary breast carcinoma; BREAST CANCER, FAMILIAL. Identifiers: Orphanet 227535, MedGen C0346153, MONDO:0016419, OMIM 114480. Disease mechanism: loss of function.

Submission:

Labcorp Genetics (formerly Invitae), Labcorp
Classification: Uncertain significance for Familial cancer of breast. Last evaluated: 2024-03-04. Review status: criteria provided, single submitter. Criteria: Invitae Variant Classification Sherloc (09022015). Collection method: clinical testing. Allele origin: germline.
Comment: This sequence change replaces leucine, which is neutral and non-polar, with phenylalanine, which is neutral and non-polar, at codon 844 of the PALB2 protein (p.Leu844Phe). This variant is not present in population databases (gnomAD no frequency). This variant has not been reported in the literature in individuals affected with PALB2-related conditions. ClinVar contains an entry for this variant (Variation ID: 1513953). Advanced modeling of protein sequence and biophysical properties (such as structural, functional, and spatial information, amino acid conservation, physicochemical variation, residue mobility, and thermodynamic stability) has been performed at Invitae for this missense variant, however the output from this modeling did not meet the statistical confidence thresholds required to predict the impact of this variant on PALB2 protein function. In summary, the available evidence is currently insufficient to determine the role of this variant in disease. Therefore, it has been classified as a Variant of Uncertain Significance.